The following is an entry in ClinVar:

ClinVar aggregate classification (germline): Likely benign. Review status: criteria provided, multiple submitters, no conflicts (2 of 4 stars). 2 submissions from 2 submitters: Likely benign (2). Last evaluated 2025-03-27.

Conditions:
OTOF-related disorder. Also called: OTOF-related condition.

Allele frequency attached by ClinVar (database versions not stated): ESP Exome Variant Server 0.00008; 1000 Genomes Project 30x 0.00016; TOPMed 0.00016; 1000 Genomes Project 0.00020; gnomAD exomes 0.00023 and 0.00033; gnomAD 0.00024; ExAC 0.00037.
gnomAD v4.1: 504 of 1,600,210 alleles (0.031%); highest among the groups gnomAD compares: Non-Finnish European, 0.034%; no homozygotes.

Submissions (2):

Labcorp Genetics (formerly Invitae), Labcorp
Classification: Likely benign. Last evaluated: 2025-03-27. Review status: criteria provided, single submitter. Criteria: Invitae Variant Classification Sherloc (09022015). Collection method: clinical testing. Allele origin: germline.

PreventionGenetics, part of Exact Sciences
Classification: Likely benign for OTOF-related condition. Last evaluated: 2024-11-22. Review status: criteria provided, single submitter. Criteria: ACMG Guidelines, 2015. Collection method: clinical testing. Allele origin: germline.
Comment: This variant is classified as likely benign based on ACMG/AMP sequence variant interpretation guidelines (Richards et al. 2015 PMID: 25741868, with internal and published modifications).

NM_194248.3(OTOF):c.327+5G>T

Gene: OTOF (otoferlin; minus strand). Cytogenetic location: 2p23.3.
Variant type: single nucleotide variant.
Coding change: c.327+5G>T on transcript NM_194248.3 (MANE Select); 5 bases into the intron after coding-DNA position 327, G replaced by T.
Molecular consequence: intron variant.
Genome position (GRCh38, 1-based): chr2:26,519,005, C>A on the plus strand (G>T on the coding strand, the complement: OTOF is on the minus strand). VCF-style: chr2-26519005-C-A. GRCh37 (hg19) VCF-style: chr2-26741873-C-A.
Other names: c.327+5G>T (NM_001287489.2).
Identifiers: ClinVar variation 335462 (VCV000335462.14), dbSNP rs370643920, ClinGen allele CA1564719.
Genomic context (GRCh38, chr2:26,519,005, plus strand): 5'-AGGGAGAACAGACCCCCAGATGGCCCCATATGGGAAAGTCCAGGAACTCCGTGGGGCATA[C>A]CCACCTTGATGATAGCATTGTTGTCATCAATCAGCGTGTCAGTCACCTCCACATGGCTCT-3'